The following is an entry in ClinVar:

ClinVar aggregate classification (germline): Benign/Likely benign. Review status: criteria provided, multiple submitters, no conflicts (2 of 4 stars). 3 submissions from 3 submitters: Benign (1); Likely benign (1). 1 of the submissions does not count toward it. Last evaluated 2026-04-01.

Conditions:
TMEM63A-related disorder. Also called: TMEM63A-related condition.

Allele frequency attached by ClinVar (database versions not stated): ESP Exome Variant Server 0.00185; 1000 Genomes Project 0.00060; 1000 Genomes Project 30x 0.00078.
gnomAD v4.1: 4,316 of 1,614,094 alleles (0.27%); highest among the groups gnomAD compares: Non-Finnish European, 0.32%; 8 homozygotes.

Submissions (3):

CeGaT Center for Human Genetics Tuebingen
Classification: Benign. Last evaluated: 2026-04-01. Review status: criteria provided, single submitter. Criteria: CeGaT Center For Human Genetics Tuebingen Variant Classification Criteria Version 2. Collection method: clinical testing. Allele origin: germline. Affected: yes. Observed: 3 variant alleles.
Comment: TMEM63A: BP4, BS1, BS2

Blueprint Genetics
Classification: Likely benign. Last evaluated: 2024-11-14. Review status: criteria provided, single submitter. Criteria: ACMG Guidelines, 2015. Collection method: clinical testing. Allele origin: germline.

PreventionGenetics, part of Exact Sciences
Classification: Likely benign for TMEM63A-related condition. Last evaluated: 2023-12-14. Review status: no assertion criteria provided. Collection method: clinical testing. Allele origin: germline. Not counted in ClinVar's aggregate classification.
Comment: This variant is classified as likely benign based on ACMG/AMP sequence variant interpretation guidelines (Richards et al. 2015 PMID: 25741868, with internal and published modifications).

NM_014698.3(TMEM63A):c.1906C>G (p.Leu636Val)

Gene: TMEM63A (transmembrane protein 63A; minus strand). Cytogenetic location: 1q42.12.
Variant type: single nucleotide variant.
Coding change: c.1906C>G on transcript NM_014698.3 (MANE Select); coding-DNA position 1906, C replaced by G.
Protein change: p.Leu636Val; replaces leucine 636 with valine.
Molecular consequence: missense variant.
Genome position (GRCh38, 1-based): chr1:225,850,077, G>C on the plus strand (C>G on the coding strand, the complement: TMEM63A is on the minus strand). VCF-style: chr1-225850077-G-C. GRCh37 (hg19) VCF-style: chr1-226037778-G-C.
Other names: c.1906C>G (NM_014698.2); short protein forms L636V.
Identifiers: ClinVar variation 2672384 (VCV002672384.25), dbSNP rs115530894, ClinGen allele CA1418963.